The following is an entry in ClinVar:

NM_001148.6(ANK2):c.11473A>G (p.Ile3825Val)

Gene: ANK2 (ankyrin 2; plus strand). Cytogenetic location: 4q26.
Variant type: single nucleotide variant.
Coding change: c.11473A>G on transcript NM_001148.6 (MANE Select); coding-DNA position 11473, A replaced by G.
Protein change: p.Ile3825Val; replaces isoleucine 3825 with valine.
Molecular consequence: missense variant.
Genome position (GRCh38, 1-based): chr4:113,369,668, A>G. VCF-style: chr4-113369668-A-G. GRCh37 (hg19) VCF-style: chr4-114290824-A-G.
Other names: p.I3825V:ATC>GTC; c.5191A>G, p.Ile1731Val (NM_001127493.3); c.5230A>G, p.Ile1744Val (NM_001354225.2); c.5119A>G, p.Ile1707Val (NM_001354228.2, NM_001354258.2); c.5197A>G, p.Ile1733Val (NM_001354230.2); c.5260A>G, p.Ile1754Val (NM_001354231.2, NM_001354242.2); c.5254A>G, p.Ile1752Val (NM_001354232.2); c.5215A>G, p.Ile1739Val (NM_001354235.2, NM_001354246.2, NM_001354265.2); and 36 more; short protein forms I1731V, I3825V, I1645V, I1669V, I1678V, I1693V, I1719V, I1723V.
Identifiers: ClinVar variation 190583 (VCV000190583.2), dbSNP rs786205728, ClinGen allele CA300968.

ClinVar aggregate classification (germline): Uncertain significance (1 of 4 stars; one submission).

Submission:

GeneDx
Classification: Uncertain significance. Last evaluated: 2013-02-20. Review status: criteria provided, single submitter. Criteria: GeneDx Variant Classification (06012015). Collection method: clinical testing. Allele origin: germline. Affected: yes.
Comment: p.Ile3825Val (ATC>GTC): c.11473 A>G in exon 43 of the ANK2 gene (NM_001148.4). The Ile3825Val variant in the ANK2 gene has not been reported as a disease-causing mutation or as a benign polymorphism to our knowledge. Ile3825Val results in a conservative amino acid substitution of one non-polar amino acid for another at a position that is only fairly conserved across species. Consequently, in-silico analysis predicts Ile3825Val is benign to the protein structure/function. However, one nearby mutation (Ser3839Thr) has been reported in association with LQTS. In addition, the Ile3825Val variant was not observed in approximately 6000 individuals of European and African American ancestry in the NHLBI Exome Sequencing Project, indicating it is not a common benign variant in these populations. With the clinical and molecular information available at this time, we cannot definitively determine if Ile3825Val is a disease-causing mutation or a rare benign variant. The variant is found in LQT panel(s).